The following is an entry in ClinVar:

ClinVar aggregate classification (germline): Pathogenic (1 of 4 stars; one submission).

Conditions:
Hereditary fructosuria. Also called: Hereditary fructose intolerance; Fructose intolerance; ALDOB DEFICIENCY; ALDOLASE B DEFICIENCY; FRUCTOSE-1,6-BISPHOSPHATE ALDOLASE B DEFICIENCY; FRUCTOSE-1-PHOSPHATE ALDOLASE DEFICIENCY. Identifiers: Orphanet 469, MedGen C0016751, MONDO:0009249, OMIM 229600, HP:0005973. Disease mechanism: loss of function.

Allele frequency attached by ClinVar (database versions not stated): gnomAD exomes below 0.00001.

Submission:

Labcorp Genetics (formerly Invitae), Labcorp
Classification: Pathogenic for Hereditary fructosuria. Last evaluated: 2021-08-14. Review status: criteria provided, single submitter. Criteria: Invitae Variant Classification Sherloc (09022015). Collection method: clinical testing. Allele origin: germline.
Comment: This sequence change creates a premature translational stop signal (p.Asn120Lysfs*33) in the ALDOB gene. It is expected to result in an absent or disrupted protein product. Loss-of-function variants in ALDOB are known to be pathogenic (PMID: 18541450). This variant is not present in population databases (ExAC no frequency). This variant has not been reported in the literature in individuals affected with ALDOB-related conditions. For these reasons, this variant has been classified as Pathogenic.

Literature cited by the submitters: PubMed 18541450.

NM_000035.4(ALDOB):c.360del (p.Asn120fs)

Gene: ALDOB (aldolase, fructose-bisphosphate B; minus strand). Cytogenetic location: 9q31.1.
Variant type: Deletion.
Coding change: c.360del on transcript NM_000035.4 (MANE Select); coding-DNA position 360, one base deleted (C; older notation c.360delC).
Protein change: p.Asn120fs; shifts the reading frame from asparagine 120.
Molecular consequence: frameshift variant.
Genome position (GRCh38, 1-based): chr9:101,428,488, G deleted on the plus strand (C on the coding strand, the reverse complement: ALDOB is on the minus strand). VCF-style (leftmost placement, unchanged base first): chr9-101428487-TG-T. GRCh37 (hg19) VCF-style: chr9-104190769-TG-T.
Other names: short protein forms N120fs.
Identifiers: ClinVar variation 1454872 (VCV001454872.6), dbSNP rs2118358565, ClinGen allele CA2573143648.